The following is an entry in ClinVar:

ClinVar aggregate classification (germline): Benign. Review status: criteria provided, single submitter (1 of 4 stars). 2 submissions from 1 submitter: Benign (2). Last evaluated 2017-04-27.

Conditions:
Hypophosphatemic rickets, autosomal recessive, 2 (ARHR2). Identifiers: Orphanet 289176, MedGen C2750078, MONDO:0013219, OMIM 613312.
Arterial calcification, generalized, of infancy, 1 (GACI1). Also called: Idiopathic Infantile Arterial Calcification. Identifiers: Orphanet 51608, MedGen C4551985, MONDO:0008817, OMIM 208000.

Allele frequency attached by ClinVar (database versions not stated): gnomAD 0.00200 and 0.00214; TOPMed 0.00212; 1000 Genomes Project 30x 0.00406; 1000 Genomes Project 0.00459.

Submissions (2):

Illumina Laboratory Services, Illumina
Classification: Benign for Hypophosphatemic rickets, autosomal recessive, 2. Last evaluated: 2017-04-27. Review status: criteria provided, single submitter. Criteria: ICSL Variant Classification Criteria 13 December 2019. Collection method: clinical testing. Allele origin: germline.
Comment: This variant was observed as part of a predisposition screen in an ostensibly healthy population. A literature search was performed for the gene, cDNA change, and amino acid change (where applicable). No publications were found based on this search. Allele frequency data from public databases was too high to be consistent with this variant causing disease. Therefore, this variant is classified as benign.

Illumina Laboratory Services, Illumina
Classification: Benign for Arterial calcification, generalized, of infancy, 1. Last evaluated: 2017-04-27. Review status: criteria provided, single submitter. Criteria: ICSL Variant Classification Criteria 13 December 2019. Collection method: clinical testing. Allele origin: germline.
Comment: the same text as in the submission from Illumina Laboratory Services, Illumina above.

NM_006208.3(ENPP1):c.*4064T>C

Gene: ENPP1 (ectonucleotide pyrophosphatase/phosphodiesterase 1; plus strand). Cytogenetic location: 6q23.2.
Variant type: single nucleotide variant.
Coding change: c.*4064T>C on transcript NM_006208.3 (MANE Select); 4064 bases downstream of the stop codon, T replaced by C.
Molecular consequence: 3 prime UTR variant.
Genome position (GRCh38, 1-based): chr6:131,894,575, T>C. VCF-style: chr6-131894575-T-C. GRCh37 (hg19) VCF-style: chr6-132215715-T-C.
Identifiers: ClinVar variation 905296 (VCV000905296.4), dbSNP rs141760620, ClinGen allele CA147912218.